The following is an entry in ClinVar:

NM_017760.7(NCAPG2):c.1507A>G (p.Ile503Val)

Genes: NCAPG2 (non-SMC condensin II complex subunit G2; minus strand), LOC126860260 (MED14-independent group 3 enhancer GRCh37_chr7:158456637-158457836; plus strand). Cytogenetic location: 7q36.3.
Variant type: single nucleotide variant.
Coding change: c.1507A>G on transcript NM_017760.7 (MANE Select); coding-DNA position 1507, A replaced by G.
Protein change: p.Ile503Val; replaces isoleucine 503 with valine.
Molecular consequence: missense variant. On other transcripts: non-coding transcript variant (1).
Genome position (GRCh38, 1-based): chr7:158,664,723, T>C on the plus strand (A>G on the coding strand, the complement: NCAPG2 is on the minus strand). VCF-style: chr7-158664723-T-C. GRCh37 (hg19) VCF-style: chr7-158457415-T-C.
Other names: c.1507A>G, p.Ile503Val (NM_001281932.2, NM_001281933.2); short protein forms I503V.
Identifiers: ClinVar variation 1030593 (VCV001030593.2), dbSNP rs764675544, ClinGen allele CA4592826.

ClinVar aggregate classification (germline): Uncertain significance. Review status: criteria provided, multiple submitters, no conflicts (2 of 4 stars). 2 submissions from 2 submitters: Uncertain significance (2). Last evaluated 2020-01-20.

Conditions:
Khan-Khan-Katsanis syndrome. Also called: 3K SYNDROME. Identifiers: MedGen C5193110, MONDO:0032764, OMIM 618460.

Allele frequency attached by ClinVar (database versions not stated): ExAC 0.00002; gnomAD exomes 0.00004; TOPMed 0.00006.
gnomAD v4.1: 66 of 1,613,998 alleles (0.0041%); highest among the groups gnomAD compares: Middle Eastern, 0.082%; no homozygotes.

Submissions (2):

Baylor Genetics
Classification: Uncertain significance for Khan-Khan-Katsanis syndrome. Last evaluated: 2020-01-20. Review status: criteria provided, single submitter. Criteria: ACMG Guidelines, 2015. Collection method: clinical testing. Allele origin: unknown. Affected: yes.
Comment: This variant was determined to be of uncertain significance according to ACMG Guidelines, 2015 [PMID:25741868].

Breakthrough Genomics
Classification: Uncertain significance. Review status: criteria provided, single submitter. Criteria: ACMG Guidelines, 2015. Collection method: not provided. Allele origin: germline. Inheritance: Autosomal recessive inheritance. Affected: yes.